The following is an entry in ClinVar:

NM_001145715.3(KPNA7):c.785G>A (p.Cys262Tyr)

Gene: KPNA7 (karyopherin subunit alpha 7; minus strand). Cytogenetic location: 7q22.1.
Variant type: single nucleotide variant.
Coding change: c.785G>A on transcript NM_001145715.3 (MANE Select); coding-DNA position 785, G replaced by A.
Protein change: p.Cys262Tyr; replaces cysteine 262 with tyrosine.
Molecular consequence: missense variant.
Genome position (GRCh38, 1-based): chr7:99,188,415, C>T on the plus strand (G>A on the coding strand, the complement: KPNA7 is on the minus strand). VCF-style: chr7-99188415-C-T. GRCh37 (hg19) VCF-style: chr7-98786038-C-T.
Other names: short protein forms C262Y.
Identifiers: ClinVar variation 1507810 (VCV001507810.5), dbSNP rs1023709548, ClinGen allele CA163745797.

ClinVar aggregate classification (germline): Uncertain significance (1 of 4 stars; one submission).

Allele frequency attached by ClinVar (database versions not stated): gnomAD exomes below 0.00001 and 0.00001; TOPMed below 0.00001; gnomAD 0.00001.
gnomAD v4.1: 3 of 1,551,542 alleles (0.00019%); highest among the groups gnomAD compares: African/African-American, 0.0041%; no homozygotes.

Submission:

Labcorp Genetics (formerly Invitae), Labcorp
Classification: Uncertain significance. Last evaluated: 2022-06-27. Review status: criteria provided, single submitter. Criteria: Invitae Variant Classification Sherloc (09022015). Collection method: clinical testing. Allele origin: germline.
Comment: This sequence change replaces cysteine, which is neutral and slightly polar, with tyrosine, which is neutral and polar, at codon 262 of the KPNA7 protein (p.Cys262Tyr). This variant is present in population databases (no rsID available, gnomAD 0.01%). This variant has not been reported in the literature in individuals affected with KPNA7-related conditions. Algorithms developed to predict the effect of missense changes on protein structure and function are either unavailable or do not agree on the potential impact of this missense change (SIFT: "Deleterious"; PolyPhen-2: "Probably Damaging"; Align-GVGD: "Class C0"). In summary, the available evidence is currently insufficient to determine the role of this variant in disease. Therefore, it has been classified as a Variant of Uncertain Significance.